The following is an entry in ClinVar:

NM_152594.3(SPRED1):c.158A>T (p.Asn53Ile)

Gene: SPRED1 (sprouty related EVH1 domain containing 1; plus strand). Cytogenetic location: 15q14.
Variant type: single nucleotide variant.
Coding change: c.158A>T on transcript NM_152594.3 (MANE Select); coding-DNA position 158, A replaced by T.
Protein change: p.Asn53Ile; replaces asparagine 53 with isoleucine.
Molecular consequence: missense variant.
Genome position (GRCh38, 1-based): chr15:38,299,498, A>T. VCF-style: chr15-38299498-A-T. GRCh37 (hg19) VCF-style: chr15-38591699-A-T.
Other names: short protein forms N53I.
Identifiers: ClinVar variation 4691182 (VCV004691182.1).
Genomic context (GRCh38, chr15:38,299,498, plus strand): 5'-CACTTGGAGGGAGTGGACTAAGCAGCGTCACTGTCTTCAAAGTCCCTCATCAGGAAGAGA[A>T]TGGCTGTGCTGACTTTTTTATCCGTGGAGAGCGACTCAGGGACAAAATGGTAATGAATAA-3'
Protein context (NP_689807.1, residues 43-63): TVFKVPHQEE[Asn53Ile]GCADFFIRGE

ClinVar aggregate classification (germline): Uncertain significance (1 of 4 stars; one submission).

Conditions:
Legius syndrome. Identifiers: Orphanet 137605, MedGen C1969623, MONDO:0012669, OMIM 611431. Disease mechanism: loss of function.

Submission:

Labcorp Genetics (formerly Invitae), Labcorp
Classification: Uncertain significance for Legius syndrome. Last evaluated: 2025-11-09. Review status: criteria provided, single submitter. Criteria: Invitae Variant Classification Sherloc (09022015). Collection method: clinical testing. Allele origin: germline.
Comment: This sequence change replaces asparagine, which is neutral and polar, with isoleucine, which is neutral and non-polar, at codon 53 of the SPRED1 protein (p.Asn53Ile). This variant is not present in population databases (gnomAD no frequency). This variant has not been reported in the literature in individuals affected with SPRED1-related conditions. Invitae Evidence Modeling of protein sequence and biophysical properties (such as structural, functional, and spatial information, amino acid conservation, physicochemical variation, residue mobility, and thermodynamic stability) indicates that this missense variant is not expected to disrupt SPRED1 protein function with a negative predictive value of 80%. In summary, the available evidence is currently insufficient to determine the role of this variant in disease. Therefore, it has been classified as a Variant of Uncertain Significance.